The following is an entry in ClinVar:

NM_172107.4(KCNQ2):c.2036_2052del (p.His679fs)

Gene: KCNQ2 (potassium voltage-gated channel subfamily Q member 2; minus strand). Cytogenetic location: 20q13.33.
Variant type: Deletion.
Coding change: c.2036_2052del on transcript NM_172107.4 (MANE Select); coding-DNA positions 2036 to 2052, 17 bases deleted (ATGTCGACAGGCACGGC).
Protein change: p.His679fs; shifts the reading frame from histidine 679.
Molecular consequence: frameshift variant.
Genome position (GRCh38, 1-based): chr20:63,407,211-63,407,227, GCCGTGCCTGTCGACAT deleted on the plus strand (ATGTCGACAGGCACGGC on the coding strand, the reverse complement: KCNQ2 is on the minus strand); deleting any 17 consecutive bases within chr20:63,407,211-63,407,229 gives the same sequence; the c. name uses the placement nearest the transcript's 3' end. VCF-style (leftmost placement, unchanged base first): chr20-63407210-AGCCGTGCCTGTCGACAT-A. GRCh37 (hg19) VCF-style: chr20-62038563-AGCCGTGCCTGTCGACAT-A.
Other names: c.2090_2106del, p.His697fs (NM_001382235.1); c.1952_1968del, p.His651fs (NM_004518.6); c.1982_1998del, p.His661fs (NM_172106.3); c.1943_1959del, p.His648fs (NM_172108.5); short protein forms H651fs, H697fs, H648fs, H661fs, H679fs.
Identifiers: ClinVar variation 2831542 (VCV002831542.3), dbSNP rs2516102657, ClinGen allele CA2739277256.

ClinVar aggregate classification (germline): Pathogenic (1 of 4 stars; one submission).

Conditions:
Early-infantile DEE. Also called: Early infantile epileptic encephalopathy; Early infantile epileptic encephalopathy with suppression bursts; Ohtahara syndrome. Identifiers: Orphanet 1934, MedGen C0393706, MONDO:0800491.

Submission:

Labcorp Genetics (formerly Invitae), Labcorp
Classification: Pathogenic for Early-infantile DEE. Last evaluated: 2023-01-24. Review status: criteria provided, single submitter. Criteria: Invitae Variant Classification Sherloc (09022015). Collection method: clinical testing. Allele origin: germline.
Comment: For these reasons, this variant has been classified as Pathogenic. This variant disrupts a region of the KCNQ2 protein in which other variant(s) (p.Lys829Serfs*35) have been determined to be pathogenic (Invitae). This suggests that this is a clinically significant region of the protein, and that variants that disrupt it are likely to be disease-causing. This variant has not been reported in the literature in individuals affected with KCNQ2-related conditions. This variant is not present in population databases (gnomAD no frequency). This sequence change creates a premature translational stop signal (p.His679Leufs*180) in the KCNQ2 gene. While this is not anticipated to result in nonsense mediated decay, it is expected to disrupt the last 194 amino acid(s) of the KCNQ2 protein.